The following is an entry in ClinVar:

ClinVar aggregate classification (germline): Pathogenic (1 of 4 stars; one submission).

Submission:

Labcorp Genetics (formerly Invitae), Labcorp
Classification: Pathogenic. Last evaluated: 2023-09-12. Review status: criteria provided, single submitter. Criteria: Invitae Variant Classification Sherloc (09022015). Collection method: clinical testing. Allele origin: germline.
Comment: This variant disrupts a region of the EIF2B2 protein in which other variant(s) (p.Val316Asp) have been determined to be pathogenic (PMID: 11704758, 14993275, 15060152, 33432707). This suggests that this is a clinically significant region of the protein, and that variants that disrupt it are likely to be disease-causing. For these reasons, this variant has been classified as Pathogenic. This variant has not been reported in the literature in individuals affected with EIF2B2-related conditions. This variant is not present in population databases (gnomAD no frequency). This sequence change creates a premature translational stop signal (p.Asp314*) in the EIF2B2 gene. While this is not anticipated to result in nonsense mediated decay, it is expected to disrupt the last 38 amino acid(s) of the EIF2B2 protein.

Literature cited by the submitters: PubMed 11704758; PubMed 14993275; PubMed 15060152; PubMed 33432707.

NM_014239.4(EIF2B2):c.939dup (p.Asp314Ter)

Gene: EIF2B2 (eukaryotic translation initiation factor 2B subunit beta; plus strand). Cytogenetic location: 14q24.3.
Variant type: Duplication.
Coding change: c.939dup on transcript NM_014239.4 (MANE Select); coding-DNA position 939, one base duplicated (T; older notation c.939dupT).
Protein change: p.Asp314Ter; replaces aspartic acid 314 with a stop codon.
Molecular consequence: nonsense.
Genome position (GRCh38, 1-based): chr14:75,009,071, T duplicated; the last of 3 consecutive T bases (chr14:75,009,069-75,009,071); duplicating any one gives the same sequence. VCF-style (leftmost placement, unchanged base first): chr14-75009068-G-GT. GRCh37 (hg19) VCF-style: chr14-75475771-G-GT.
Other names: short protein forms D314*.
Identifiers: ClinVar variation 2760253 (VCV002760253.3), dbSNP rs2503011638, ClinGen allele CA2697554026.